The following is an entry in ClinVar:

ClinVar aggregate classification (germline): Uncertain significance (1 of 4 stars; one submission).

Conditions:
Developmental and epileptic encephalopathy, 53. Also called: Epileptic encephalopathy, early infantile, 53. Identifiers: MedGen C4479313, MONDO:0033362, OMIM 617389.
Early-onset Parkinson disease 20. Also called: PARKINSON DISEASE 20, AUTOSOMAL RECESSIVE EARLY-ONSET. Identifiers: Orphanet 391411, MedGen C3809824, MONDO:0014233, OMIM 615530.

Allele frequency attached by ClinVar (database versions not stated): TOPMed below 0.00001; gnomAD 0.00001; gnomAD exomes 0.00001.
gnomAD v4.1: 6 of 1,613,762 alleles (0.00037%); highest among the groups gnomAD compares: African/African-American, 0.008%; no homozygotes.

Submission:

Labcorp Genetics (formerly Invitae), Labcorp
Classification: Uncertain significance for Developmental and epileptic encephalopathy, 53; Early-onset Parkinson disease 20. Last evaluated: 2022-09-01. Review status: criteria provided, single submitter. Criteria: Invitae Variant Classification Sherloc (09022015). Collection method: clinical testing. Allele origin: germline.
Comment: This sequence change replaces glutamine, which is neutral and polar, with proline, which is neutral and non-polar, at codon 733 of the SYNJ1 protein (p.Gln733Pro). This variant is not present in population databases (gnomAD no frequency). This variant has not been reported in the literature in individuals affected with SYNJ1-related conditions. Algorithms developed to predict the effect of missense changes on protein structure and function are either unavailable or do not agree on the potential impact of this missense change (SIFT: "Deleterious"; PolyPhen-2: "Probably Damaging"; Align-GVGD: "Class C0"). In summary, the available evidence is currently insufficient to determine the role of this variant in disease. Therefore, it has been classified as a Variant of Uncertain Significance.

NM_203446.3(SYNJ1):c.2081A>C (p.Gln694Pro)

Gene: SYNJ1 (synaptojanin 1; minus strand). Cytogenetic location: 21q22.11.
Variant type: single nucleotide variant.
Coding change: c.2081A>C on transcript NM_203446.3 (MANE Select); coding-DNA position 2081, A replaced by C.
Protein change: p.Gln694Pro; replaces glutamine 694 with proline.
Molecular consequence: missense variant.
Genome position (GRCh38, 1-based): chr21:32,666,007, T>G on the plus strand (A>C on the coding strand, the complement: SYNJ1 is on the minus strand). VCF-style: chr21-32666007-T-G. GRCh37 (hg19) VCF-style: chr21-34038317-T-G.
Other names: c.2081A>C, p.Gln694Pro (NM_001160302.2); c.2066A>C, p.Gln689Pro (NM_001160306.2); c.2198A>C, p.Gln733Pro (NM_003895.4); short protein forms Q689P, Q694P, Q733P.
Identifiers: ClinVar variation 1962182 (VCV001962182.5), dbSNP rs112307178, ClinGen allele CA410079288.